The following is an entry in ClinVar:

NM_004415.4(DSP):c.7185C>T (p.Gly2395=)

Gene: DSP (desmoplakin; plus strand). Cytogenetic location: 6p24.3.
Variant type: single nucleotide variant.
Coding change: c.7185C>T on transcript NM_004415.4 (MANE Select); coding-DNA position 7185, C replaced by T.
Protein change: p.Gly2395=; no amino-acid change (glycine 2395 retained).
Molecular consequence: synonymous variant.
Genome position (GRCh38, 1-based): chr6:7,584,447, C>T. VCF-style: chr6-7584447-C-T. GRCh37 (hg19) VCF-style: chr6-7584680-C-T.
Other names: c.7185C>T (LRG_423t1); c.5388C>T, p.Gly1796= (NM_001008844.3); c.5856C>T, p.Gly1952= (NM_001319034.2).
Identifiers: ClinVar variation 534331 (VCV000534331.16), dbSNP rs1296848321, ClinGen allele CA448716663.

ClinVar aggregate classification (germline): Likely benign. Review status: criteria provided, multiple submitters, no conflicts (2 of 4 stars). 5 submissions from 5 submitters: Likely benign (5). Last evaluated 2026-06-06.

Conditions:
Cardiovascular phenotype. Identifiers: MedGen CN230736.
Cardiomyopathy (CMYO). Also called: Cardiomyopathies. Identifiers: Orphanet 167848, MedGen C0878544, MONDO:0004994, HP:0001638. Inheritance: Various modes of inheritance.
Arrhythmogenic cardiomyopathy with wooly hair and keratoderma. Also called: PALMOPLANTAR KERATODERMA WITH LEFT VENTRICULAR CARDIOMYOPATHY AND WOOLLY HAIR; Carvajal syndrome; Arrhythmogenic cardiomyopathy with woolly hair and keratoderma; Dilated cardiomyopathy with woolly hair and keratoderma. Identifiers: Orphanet 65282, MedGen C1854063, MONDO:0011581, OMIM 605676.
Arrhythmogenic right ventricular dysplasia 8 (ARVD8). Also called: Arrhythmogenic Right Ventricular Dysplasia/Cardiomyopathy 8; ARRHYTHMOGENIC RIGHT VENTRICULAR DYSPLASIA, FAMILIAL, 8; ARRHYTHMOGENIC RIGHT VENTRICULAR CARDIOMYOPATHY 8. Identifiers: MedGen C1843896, MONDO:0011831, OMIM 607450.

Allele frequency attached by ClinVar (database versions not stated): gnomAD exomes 0.00001; gnomAD 0.00002; TOPMed 0.00001.
gnomAD v4.1: 18 of 1,614,008 alleles (0.0011%); highest among the groups gnomAD compares: Admixed American, 0.0017%; no homozygotes.

Submissions (5):

Ambry Genetics
Classification: Likely benign for Cardiovascular phenotype. Last evaluated: 2026-06-06. Review status: criteria provided, single submitter. Criteria: Ambry Variant Classification Scheme 2023. Collection method: clinical testing. Allele origin: germline.

Labcorp Genetics (formerly Invitae), Labcorp
Classification: Likely benign for Arrhythmogenic cardiomyopathy with wooly hair and keratoderma; Arrhythmogenic right ventricular dysplasia 8. Last evaluated: 2025-05-14. Review status: criteria provided, single submitter. Criteria: Invitae Variant Classification Sherloc (09022015). Collection method: clinical testing. Allele origin: germline.

All of Us Research Program, National Institutes of Health
Classification: Likely benign for Arrhythmogenic cardiomyopathy with wooly hair and keratoderma. Last evaluated: 2023-10-30. Review status: criteria provided, single submitter. Criteria: ACMG Guidelines, 2015. Collection method: clinical testing. Allele origin: germline. Inheritance: Autosomal dominant inheritance. Observed: 2 variant alleles, 2 heterozygotes.
Comment: This study involves interpretation of variants in research participants for the purpose of population health screening. Participant phenotype was not available at the time of variant classification. Additional details can be found in publication PMID: 35346344, PMCID: PMC8962531

Color Diagnostics, LLC DBA Color Health
Classification: Likely benign for Cardiomyopathy. Last evaluated: 2018-11-30. Review status: criteria provided, single submitter. Criteria: ACMG Guidelines, 2015. Collection method: clinical testing. Allele origin: germline.

Breakthrough Genomics
Classification: Likely benign. Review status: criteria provided, single submitter. Criteria: ACMG Guidelines, 2015. Collection method: not provided. Allele origin: germline. Inheritance: Autosomal recessive inheritance. Affected: yes.